The following is an entry in ClinVar:

NM_001042492.3(NF1):c.3487C>T (p.His1163Tyr)

Gene: NF1 (neurofibromin 1; plus strand). Cytogenetic location: 17q11.2.
Variant type: single nucleotide variant.
Coding change: c.3487C>T on transcript NM_001042492.3 (MANE Select); coding-DNA position 3487, C replaced by T.
Protein change: p.His1163Tyr; replaces histidine 1163 with tyrosine.
Molecular consequence: missense variant.
Genome position (GRCh38, 1-based): chr17:31,232,872, C>T. VCF-style: chr17-31232872-C-T. GRCh37 (hg19) VCF-style: chr17-29559890-C-T.
Other names: c.3487C>T, p.His1163Tyr (NM_000267.4); short protein forms H1163Y.
Identifiers: ClinVar variation 4028149 (VCV004028149.1).

ClinVar aggregate classification (germline): Uncertain significance (1 of 4 stars; one submission).

Conditions:
Cardiovascular phenotype. Identifiers: MedGen CN230736.
Hereditary cancer-predisposing syndrome. Also called: Tumor predisposition; Hereditary neoplastic syndrome; Neoplastic Syndromes, Hereditary; Hereditary Cancer Syndrome. Identifiers: Orphanet 140162, MedGen C0027672, MeSH D009386, MONDO:0015356.

Submission:

Ambry Genetics
Classification: Uncertain significance for Cardiovascular phenotype; Hereditary cancer-predisposing syndrome. Last evaluated: 2025-05-09. Review status: criteria provided, single submitter. Criteria: Ambry Variant Classification Scheme 2023. Collection method: clinical testing. Allele origin: germline.
Comment: The p.H1163Y variant (also known as c.3487C>T), located in coding exon 26 of the NF1 gene, results from a C to T substitution at nucleotide position 3487. The histidine at codon 1163 is replaced by tyrosine, an amino acid with similar properties. This amino acid position is conserved. In addition, the in silico prediction for this alteration is inconclusive. Based on the available evidence, the clinical significance of this variant remains unclear.